The following is an entry in ClinVar:

ClinVar aggregate classification (germline): Uncertain significance. Review status: criteria provided, multiple submitters, no conflicts (2 of 4 stars). 2 submissions from 2 submitters: Uncertain significance (2). Last evaluated 2023-06-06.

Conditions:
Colorectal cancer, hereditary nonpolyposis, type 7. Identifiers: Orphanet 144, MedGen C1858380, MONDO:0013725, OMIM 614385.

Allele frequency attached by ClinVar (database versions not stated): gnomAD exomes below 0.00001; gnomAD 0.00001; TOPMed 0.00001.

Submissions (2):

Ambry Genetics
Classification: Uncertain significance. Last evaluated: 2023-06-06. Review status: criteria provided, single submitter. Criteria: Ambry Variant Classification Scheme 2023. Collection method: clinical testing. Allele origin: germline.
Comment: The p.S20N variant (also known as c.59G>A), located in coding exon 1 of the MLH3 gene, results from a G to A substitution at nucleotide position 59. The serine at codon 20 is replaced by asparagine, an amino acid with highly similar properties. This amino acid position is poorly conserved in available vertebrate species. In addition, this alteration is predicted to be tolerated by in silico analysis. The evidence for this gene-disease relationship is limited; therefore, the clinical significance of this alteration is unclear.

Labcorp Genetics (formerly Invitae), Labcorp
Classification: Uncertain significance for Colorectal cancer, hereditary nonpolyposis, type 7. Last evaluated: 2019-06-30. Review status: criteria provided, single submitter. Criteria: Invitae Variant Classification Sherloc (09022015). Collection method: clinical testing. Allele origin: germline.
Comment: This sequence change replaces serine with asparagine at codon 20 of the MLH3 protein (p.Ser20Asn). The serine residue is weakly conserved and there is a small physicochemical difference between serine and asparagine. This variant is not present in population databases (ExAC no frequency). This variant has not been reported in the literature in individuals with MLH3-related conditions. Algorithms developed to predict the effect of missense changes on protein structure and function output the following: SIFT: "Tolerated"; PolyPhen-2: "Benign"; Align-GVGD: "Class C0". The asparagine amino acid residue is found in multiple mammalian species, suggesting that this missense change does not adversely affect protein function. These predictions have not been confirmed by published functional studies and their clinical significance is uncertain. In summary, the available evidence is currently insufficient to determine the role of this variant in disease. Therefore, it has been classified as a Variant of Uncertain Significance.

NM_001040108.2(MLH3):c.59G>A (p.Ser20Asn)

Gene: MLH3 (mutL homolog 3; minus strand). Cytogenetic location: 14q24.3.
Variant type: single nucleotide variant.
Coding change: c.59G>A on transcript NM_001040108.2 (MANE Select); coding-DNA position 59, G replaced by A.
Protein change: p.Ser20Asn; replaces serine 20 with asparagine.
Molecular consequence: missense variant.
Genome position (GRCh38, 1-based): chr14:75,049,597, C>T on the plus strand (G>A on the coding strand, the complement: MLH3 is on the minus strand). VCF-style: chr14-75049597-C-T. GRCh37 (hg19) VCF-style: chr14-75516300-C-T.
Other names: c.59G>A, p.Ser20Asn (NM_014381.3); short protein forms S20N.
Identifiers: ClinVar variation 935640 (VCV000935640.11), dbSNP rs1269145505, ClinGen allele CA390451825.